The following is an entry in ClinVar:

ClinVar aggregate classification (germline): Uncertain significance. Review status: criteria provided, multiple submitters, no conflicts (2 of 4 stars). 2 submissions from 2 submitters: Uncertain significance (2). Last evaluated 2026-05-04.

Allele frequency attached by ClinVar (database versions not stated): TOPMed 0.00004; gnomAD exomes 0.00002; gnomAD 0.00003.
gnomAD v4.1: 40 of 1,536,766 alleles (0.0026%); highest among the groups gnomAD compares: Middle Eastern, 0.033%; no homozygotes.

Submissions (2):

Women's Health and Genetics/Laboratory Corporation of America, LabCorp
Classification: Uncertain significance. Last evaluated: 2026-05-04. Review status: criteria provided, single submitter. Criteria: LabCorp Variant Classification Summary - May 2015. Collection method: clinical testing. Allele origin: germline.
Comment: Variant summary: ZFHX2 c.5136A>C (p.Glu1712Asp) results in a conservative amino acid change in the encoded protein sequence. Algorithms developed to predict the effect of missense changes on protein structure and function are either unavailable or do not agree on the potential impact of this missense change. The variant allele was found at a frequency of 3.6e-05 in 139994 control chromosomes. The available data on variant occurrences in the general population are insufficient to allow any conclusion about variant significance. To our knowledge, no occurrence of c.5136A>C in individuals affected with ZFHX2-related conditions and no experimental evidence demonstrating its impact on protein function have been reported. ClinVar contains an entry for this variant (Variation ID: 2525764). Based on the evidence outlined above, the variant was classified as uncertain significance.

Ambry Genetics
Classification: Uncertain significance. Last evaluated: 2025-08-28. Review status: criteria provided, single submitter. Criteria: Ambry Variant Classification Scheme 2023. Collection method: clinical testing. Allele origin: germline.

NM_033400.3(ZFHX2):c.5136A>C (p.Glu1712Asp)

Genes: THTPA (thiamine triphosphatase; plus strand), ZFHX2 (zinc finger homeobox 2; minus strand). Cytogenetic location: 14q11.2.
Variant type: single nucleotide variant.
Coding change: c.5136A>C on transcript NM_033400.3 (MANE Select); coding-DNA position 5136, A replaced by C.
Protein change: p.Glu1712Asp; replaces glutamic acid 1712 with aspartic acid.
Molecular consequence: missense variant.
Genome position (GRCh38, 1-based): chr14:23,524,806, T>G on the plus strand (A>C on the coding strand, the complement: ZFHX2 is on the minus strand). VCF-style: chr14-23524806-T-G. GRCh37 (hg19) VCF-style: chr14-23994015-T-G.
Other names: short protein forms E1712D.
Identifiers: ClinVar variation 2525764 (VCV002525764.4), dbSNP rs971715766, ClinGen allele CA257793293.